The following is an entry in ClinVar:

ClinVar aggregate classification (germline): Uncertain significance (1 of 4 stars; one submission).

Submission:

GeneDx
Classification: Uncertain significance. Last evaluated: 2025-04-02. Review status: criteria provided, single submitter. Criteria: GeneDx Variant Classification Process June 2021. Collection method: clinical testing. Allele origin: germline. Affected: yes.
Comment: Not observed at significant frequency in large population cohorts (gnomAD); In silico analysis indicates that this missense variant does not alter protein structure/function; Has not been previously published as pathogenic or benign to our knowledge

NM_006445.4(PRPF8):c.1333G>A (p.Val445Ile)

Gene: PRPF8 (pre-mRNA processing factor 8; minus strand). Cytogenetic location: 17p13.3.
Variant type: single nucleotide variant.
Coding change: c.1333G>A on transcript NM_006445.4 (MANE Select); coding-DNA position 1333, G replaced by A.
Protein change: p.Val445Ile; replaces valine 445 with isoleucine.
Molecular consequence: missense variant.
Genome position (GRCh38, 1-based): chr17:1,679,367, C>T on the plus strand (G>A on the coding strand, the complement: PRPF8 is on the minus strand). VCF-style: chr17-1679367-C-T. GRCh37 (hg19) VCF-style: chr17-1582661-C-T.
Other names: short protein forms V445I.
Identifiers: ClinVar variation 4278893 (VCV004278893.1).
Genomic context (GRCh38, chr17:1,679,367, plus strand): 5'-TAGGGGGCCGATGCTTCAGGGCATTCAGCACATAGTACTTAAGCAGCTTCTGGTAGGAGA[C>T]CCTCACTTTCACAGGCTGCCCGGCAGGACAATGCTCCCGATACCTGGAAAAATAAGCCCA-3'
Protein context (NP_006436.3, residues 435-455): CPAGQPVKVR[Val445Ile]SYQKLLKYYV